The following is an entry in ClinVar:

ClinVar aggregate classification (germline): Uncertain significance (1 of 4 stars; one submission).

Conditions:
Capillary malformation-arteriovenous malformation syndrome. Also called: Capillary malformation-arteriovenous malformation. Identifiers: Orphanet 137667, MedGen C1842180, MONDO:0012016.

Submission:

Labcorp Genetics (formerly Invitae), Labcorp
Classification: Uncertain significance for Capillary malformation-arteriovenous malformation syndrome. Last evaluated: 2024-02-16. Review status: criteria provided, single submitter. Criteria: Invitae Variant Classification Sherloc (09022015). Collection method: clinical testing. Allele origin: germline.
Comment: This sequence change replaces proline, which is neutral and non-polar, with serine, which is neutral and polar, at codon 39 of the RASA1 protein (p.Pro39Ser). This variant is not present in population databases (gnomAD no frequency). This variant has not been reported in the literature in individuals affected with RASA1-related conditions. An algorithm developed to predict the effect of missense changes on protein structure and function (PolyPhen-2) suggests that this variant is likely to be disruptive. In summary, the available evidence is currently insufficient to determine the role of this variant in disease. Therefore, it has been classified as a Variant of Uncertain Significance.

NM_002890.3(RASA1):c.115C>T (p.Pro39Ser)

Gene: RASA1 (RAS p21 protein activator 1; plus strand). Cytogenetic location: 5q14.3.
Variant type: single nucleotide variant.
Coding change: c.115C>T on transcript NM_002890.3 (MANE Select); coding-DNA position 115, C replaced by T.
Protein change: p.Pro39Ser; replaces proline 39 with serine.
Molecular consequence: missense variant.
Genome position (GRCh38, 1-based): chr5:87,268,566, C>T. VCF-style: chr5-87268566-C-T. GRCh37 (hg19) VCF-style: chr5-86564383-C-T.
Other names: short protein forms P39S.
Identifiers: ClinVar variation 3639808 (VCV003639808.2).